The following is an entry in ClinVar:

NM_001103.4(ACTN2):c.322G>A (p.Ala108Thr)

Gene: ACTN2 (actinin alpha 2; plus strand). Cytogenetic location: 1q43.
Variant type: single nucleotide variant.
Coding change: c.322G>A on transcript NM_001103.4 (MANE Select); coding-DNA position 322, G replaced by A.
Protein change: p.Ala108Thr; replaces alanine 108 with threonine.
Molecular consequence: missense variant. On other transcripts: 5 prime UTR variant (1).
Genome position (GRCh38, 1-based): chr1:236,718,974, G>A. VCF-style: chr1-236718974-G-A. GRCh37 (hg19) VCF-style: chr1-236882274-G-A.
Other names: c.322G>A, p.Ala108Thr (NM_001278343.2); c.-500G>A (NM_001278344.2); c.-625G>A (NM_001412150.1); short protein forms A108T.
Identifiers: ClinVar variation 1939813 (VCV001939813.5), dbSNP rs2527538472, ClinGen allele CA345373625.

ClinVar aggregate classification (germline): Uncertain significance (1 of 4 stars; one submission).

Conditions:
Dilated cardiomyopathy 1AA (CMD1AA). Also called: CARDIOMYOPATHY, DILATED, 1AA, WITH OR WITHOUT LEFT VENTRICULAR NONCOMPACTION; Cardiomyopathy, dilated, 1AA, with or without LVNC; CARDIOMYOPATHY, FAMILIAL HYPERTROPHIC, 23, WITH OR WITHOUT LEFT VENTRICULAR NONCOMPACTION. Identifiers: Orphanet 154, MedGen C2677338, MONDO:0012808, OMIM 612158.
Primary familial hypertrophic cardiomyopathy (HCM). Identifiers: Orphanet 99739, MedGen C0949658, MeSH D024741, MONDO:0024573. Inheritance: Various modes of inheritance.

Allele frequency attached by ClinVar (database versions not stated): gnomAD exomes below 0.00001.
gnomAD v4.1: 1 of 1,614,164 alleles (0.000062%); highest among the groups gnomAD compares: Middle Eastern, 0.017%; no homozygotes.

Submission:

Labcorp Genetics (formerly Invitae), Labcorp
Classification: Uncertain significance for Primary familial hypertrophic cardiomyopathy; Dilated cardiomyopathy 1AA. Last evaluated: 2024-11-19. Review status: criteria provided, single submitter. Criteria: Invitae Variant Classification Sherloc (09022015). Collection method: clinical testing. Allele origin: germline.
Comment: This sequence change replaces alanine, which is neutral and non-polar, with threonine, which is neutral and polar, at codon 108 of the ACTN2 protein (p.Ala108Thr). This variant is not present in population databases (gnomAD no frequency). This variant has not been reported in the literature in individuals affected with ACTN2-related conditions. ClinVar contains an entry for this variant (Variation ID: 1939813). Invitae Evidence Modeling of protein sequence and biophysical properties (such as structural, functional, and spatial information, amino acid conservation, physicochemical variation, residue mobility, and thermodynamic stability) indicates that this missense variant is not expected to disrupt ACTN2 protein function with a negative predictive value of 80%. In summary, the available evidence is currently insufficient to determine the role of this variant in disease. Therefore, it has been classified as a Variant of Uncertain Significance.